The following is an entry in ClinVar:

NM_024503.5(HIVEP3):c.7211C>G (p.Pro2404Arg)

Gene: HIVEP3 (HIVEP zinc finger 3; minus strand). Cytogenetic location: 1p34.2.
Variant type: single nucleotide variant.
Coding change: c.7211C>G on transcript NM_024503.5 (MANE Select); coding-DNA position 7211, C replaced by G.
Protein change: p.Pro2404Arg; replaces proline 2404 with arginine.
Molecular consequence: missense variant.
Genome position (GRCh38, 1-based): chr1:41,510,461, G>C on the plus strand (C>G on the coding strand, the complement: HIVEP3 is on the minus strand). VCF-style: chr1-41510461-G-C. GRCh37 (hg19) VCF-style: chr1-41976132-G-C.
Other names: c.7208C>G, p.Pro2403Arg (NM_001127714.3); short protein forms P2403R, P2404R.
Identifiers: ClinVar variation 3037152 (VCV003037152.2), dbSNP rs74071559, ClinGen allele CA796973.

ClinVar aggregate classification (germline): Benign (0 of 4 stars; one submission).

Conditions:
HIVEP3-related disorder. Also called: HIVEP3-related condition.

Allele frequency attached by ClinVar (database versions not stated): ExAC 0.01385; ESP Exome Variant Server 0.02953; 1000 Genomes Project 0.02975; TOPMed 0.03121; 1000 Genomes Project 30x 0.03201.
gnomAD v4.1: 7,682 of 1,501,116 alleles (0.51%); highest among the groups gnomAD compares: African/African-American, 9.7%; 361 homozygotes.

Submission:

PreventionGenetics, part of Exact Sciences
Classification: Benign for HIVEP3-related condition. Last evaluated: 2019-03-23. Review status: no assertion criteria provided. Collection method: clinical testing. Allele origin: germline.
Comment: This variant is classified as benign based on ACMG/AMP sequence variant interpretation guidelines (Richards et al. 2015 PMID: 25741868, with internal and published modifications).